The following is an entry in ClinVar:

ClinVar aggregate classification (germline): Uncertain significance (1 of 4 stars; one submission).

Allele frequency attached by ClinVar (database versions not stated): ExAC 0.00001; TOPMed 0.00001; gnomAD 0.00002.
gnomAD v4.1: 14 of 1,613,344 alleles (0.00087%); highest among the groups gnomAD compares: African/African-American, 0.0067%; no homozygotes.

Submission:

Labcorp Genetics (formerly Invitae), Labcorp
Classification: Uncertain significance. Last evaluated: 2024-02-08. Review status: criteria provided, single submitter. Criteria: Invitae Variant Classification Sherloc (09022015). Collection method: clinical testing. Allele origin: germline.
Comment: This sequence change replaces arginine, which is basic and polar, with glutamine, which is neutral and polar, at codon 576 of the PLXNA2 protein (p.Arg576Gln). This variant is present in population databases (rs777714144, gnomAD 0.004%). This variant has not been reported in the literature in individuals affected with PLXNA2-related conditions. Algorithms developed to predict the effect of missense changes on protein structure and function output the following: SIFT: "Not Available"; PolyPhen-2: "Benign"; Align-GVGD: "Not Available". The glutamine amino acid residue is found in multiple mammalian species, which suggests that this missense change does not adversely affect protein function. In summary, the available evidence is currently insufficient to determine the role of this variant in disease. Therefore, it has been classified as a Variant of Uncertain Significance.

NM_025179.4(PLXNA2):c.1727G>A (p.Arg576Gln)

Gene: PLXNA2 (plexin A2; minus strand). Cytogenetic location: 1q32.2.
Variant type: single nucleotide variant.
Coding change: c.1727G>A on transcript NM_025179.4 (MANE Select); coding-DNA position 1727, G replaced by A.
Protein change: p.Arg576Gln; replaces arginine 576 with glutamine.
Molecular consequence: missense variant.
Genome position (GRCh38, 1-based): chr1:208,098,850, C>T on the plus strand (G>A on the coding strand, the complement: PLXNA2 is on the minus strand). VCF-style: chr1-208098850-C-T. GRCh37 (hg19) VCF-style: chr1-208272195-C-T.
Other names: short protein forms R576Q.
Identifiers: ClinVar variation 2902950 (VCV002902950.3), dbSNP rs777714144, ClinGen allele CA1373751.